The following is an entry in ClinVar:

ClinVar aggregate classification (germline): Likely benign. Review status: criteria provided, multiple submitters, no conflicts (2 of 4 stars). 2 submissions from 2 submitters: Likely benign (2). Last evaluated 2026-03-13.

Conditions:
RAI1-related disorder. Also called: RAI1-related condition.

Allele frequency attached by ClinVar (database versions not stated): gnomAD exomes below 0.00001 and 0.00001; TOPMed below 0.00001; gnomAD 0.00001.
gnomAD v4.1: 3 of 1,612,876 alleles (0.00019%); highest among the groups gnomAD compares: South Asian, 0.0022%; no homozygotes.

Submissions (2):

PreventionGenetics, part of Exact Sciences
Classification: Likely benign for RAI1-related condition. Last evaluated: 2026-03-13. Review status: criteria provided, single submitter. Criteria: ACMG Guidelines, 2015. Collection method: clinical testing. Allele origin: germline.
Comment: This variant is classified as likely benign based on ACMG/AMP sequence variant interpretation guidelines (Richards et al. 2015 PMID: 25741868, with internal and published modifications).

Labcorp Genetics (formerly Invitae), Labcorp
Classification: Likely benign. Last evaluated: 2021-01-19. Review status: criteria provided, single submitter. Criteria: Invitae Variant Classification Sherloc (09022015). Collection method: clinical testing. Allele origin: germline.

NM_030665.4(RAI1):c.1584C>T (p.Ser528=)

Gene: RAI1 (retinoic acid induced 1; plus strand). Cytogenetic location: 17p11.2.
Variant type: single nucleotide variant.
Coding change: c.1584C>T on transcript NM_030665.4 (MANE Select); coding-DNA position 1584, C replaced by T.
Protein change: p.Ser528=; no amino-acid change (serine 528 retained).
Molecular consequence: synonymous variant.
Genome position (GRCh38, 1-based): chr17:17,794,532, C>T. VCF-style: chr17-17794532-C-T. GRCh37 (hg19) VCF-style: chr17-17697846-C-T.
Other names: c.1584C>T (NM_030665.3).
Identifiers: ClinVar variation 1602701 (VCV001602701.9), dbSNP rs1172943568, ClinGen allele CA498423355.